The following is an entry in ClinVar:

NM_002282.3(KRT83):c.86G>A (p.Arg29His)

Gene: KRT83 (keratin 83; minus strand). Cytogenetic location: 12q13.13.
Variant type: single nucleotide variant.
Coding change: c.86G>A on transcript NM_002282.3 (MANE Select); coding-DNA position 86, G replaced by A.
Protein change: p.Arg29His; replaces arginine 29 with histidine.
Molecular consequence: missense variant.
Genome position (GRCh38, 1-based): chr12:52,321,250, C>T on the plus strand (G>A on the coding strand, the complement: KRT83 is on the minus strand). VCF-style: chr12-52321250-C-T. GRCh37 (hg19) VCF-style: chr12-52715034-C-T.
Other names: short protein forms R29H.
Identifiers: ClinVar variation 2972766 (VCV002972766.3), dbSNP rs756727430, ClinGen allele CA6577832.

ClinVar aggregate classification (germline): Uncertain significance (1 of 4 stars; one submission).

Allele frequency attached by ClinVar (database versions not stated): ExAC 0.00001; gnomAD 0.00001; TOPMed 0.00001.

Submission:

Labcorp Genetics (formerly Invitae), Labcorp
Classification: Uncertain significance. Last evaluated: 2024-02-05. Review status: criteria provided, single submitter. Criteria: Invitae Variant Classification Sherloc (09022015). Collection method: clinical testing. Allele origin: germline.
Comment: This sequence change replaces arginine, which is basic and polar, with histidine, which is basic and polar, at codon 29 of the KRT83 protein (p.Arg29His). This variant is present in population databases (rs756727430, gnomAD 0.003%). This variant has not been reported in the literature in individuals affected with KRT83-related conditions. An algorithm developed to predict the effect of missense changes on protein structure and function (PolyPhen-2) suggests that this variant is likely to be tolerated. In summary, the available evidence is currently insufficient to determine the role of this variant in disease. Therefore, it has been classified as a Variant of Uncertain Significance.